The following is an entry in ClinVar:

ClinVar aggregate classification (germline): Pathogenic (0 of 4 stars; one submission).

Conditions:
Spinocerebellar ataxia type 14 (SCA14). Identifiers: Orphanet 98763, MedGen C1854369, MONDO:0011540, OMIM 605361.

Submission:

GeneReviews
Classification: Pathogenic for Spinocerebellar Ataxia Type14. Last evaluated: 2013-04-18. Review status: no assertion criteria provided. Collection method: curation. Allele origin: unknown.
ClinVar note: Converted during submission from pathologic to Pathogenic.

NM_002739.5(PRKCG):c.1078G>A (p.Gly360Ser)

Gene: PRKCG (protein kinase C gamma; plus strand). Cytogenetic location: 19q13.42.
Variant type: single nucleotide variant.
Coding change: c.1078G>A on transcript NM_002739.5 (MANE Select); coding-DNA position 1078, G replaced by A.
Protein change: p.Gly360Ser; replaces glycine 360 with serine.
Molecular consequence: missense variant.
Genome position (GRCh38, 1-based): chr19:53,898,097, G>A. VCF-style: chr19-53898097-G-A. GRCh37 (hg19) VCF-style: chr19-54401351-G-A.
Other names: c.1078g>a; c.1078G>A, p.Gly360Ser (NM_001316329.2); short protein forms G360S.
Identifiers: ClinVar variation 42129 (VCV000042129.3), dbSNP rs386134171, ClinGen allele CA344584.